The following is an entry in ClinVar:

ClinVar aggregate classification (germline): Uncertain significance (1 of 4 stars; one submission).

Conditions:
Polycystic kidney disease 2 (PKD2). Also called: POLYCYSTIC KIDNEY DISEASE, ADULT, TYPE II; Polycystic Kidney Disease 2, Autosomal Dominant; POLYCYSTIC KIDNEY DISEASE 2 WITH OR WITHOUT POLYCYSTIC LIVER DISEASE. Identifiers: MedGen C2751306, MONDO:0013131, OMIM 613095.

gnomAD v4.1: 37 of 1,358,066 alleles (0.0027%); highest among the groups gnomAD compares: East Asian, 0.08%; no homozygotes.

Submission:

Juno Genomics, Hangzhou Juno Genomics, Inc
Classification: Uncertain significance for Polycystic kidney disease 2. Review status: criteria provided, single submitter. Criteria: ACMG Guidelines, 2015. Collection method: clinical testing. Allele origin: germline. Affected: yes.
Comment: Absent from controls (or at extremely low frequency if recessive) in Genome Aggregation Database.;Multiple lines of computational evidence support a deleterious effect on the gene or gene product.;The prevalence of the variant in affected individuals is significantly increased compared to the prevalence in controls.;Patient's phenotype or family history is highly specific for a disease with a single genetic etiology.

NM_000297.4(PKD2):c.1095-32A>G

Gene: PKD2 (polycystin 2, transient receptor potential cation channel; plus strand). Cytogenetic location: 4q22.1.
Variant type: single nucleotide variant.
Coding change: c.1095-32A>G on transcript NM_000297.4 (MANE Select); 32 bases into the intron before coding-DNA position 1095, A replaced by G.
Molecular consequence: intron variant.
Genome position (GRCh38, 1-based): chr4:88,043,201, A>G. VCF-style: chr4-88043201-A-G. GRCh37 (hg19) VCF-style: chr4-88964353-A-G.
Other names: c.1095-3441A>G (NM_001440544.1).
Identifiers: ClinVar variation 5018525 (VCV005018525.1).